The following is an entry in ClinVar:

NM_000465.4(BARD1):c.188T>C (p.Leu63Ser)

Gene: BARD1 (BRCA1 associated RING domain 1; minus strand). Cytogenetic location: 2q35.
Variant type: single nucleotide variant.
Coding change: c.188T>C on transcript NM_000465.4 (MANE Select); coding-DNA position 188, T replaced by C.
Protein change: p.Leu63Ser; replaces leucine 63 with serine.
Molecular consequence: missense variant. On other transcripts: non-coding transcript variant (2), intron variant (2).
Genome position (GRCh38, 1-based): chr2:214,797,088, A>G on the plus strand (T>C on the coding strand, the complement: BARD1 is on the minus strand). VCF-style: chr2-214797088-A-G. GRCh37 (hg19) VCF-style: chr2-215661812-A-G.
Other names: c.188T>C, p.Leu63Ser (NM_001282545.2, NM_001282549.2); c.158+12324T>C (NM_001282548.2); c.159-4643T>C (NM_001282543.2); short protein forms L63S.
Identifiers: ClinVar variation 216439 (VCV000216439.22), dbSNP rs748828467, ClinGen allele CA337791.

ClinVar aggregate classification (germline): Uncertain significance. Review status: criteria provided, multiple submitters, no conflicts (2 of 4 stars). 4 submissions from 4 submitters: Uncertain significance (4). Last evaluated 2025-02-26.

Conditions:
BARD1-related cancer predisposition. Identifiers: MedGen CN377756, MONDO:0700267.
Hereditary cancer-predisposing syndrome. Also called: Hereditary Cancer Syndrome; Hereditary neoplastic syndrome; Neoplastic Syndromes, Hereditary; Tumor predisposition. Identifiers: Orphanet 140162, MedGen C0027672, MeSH D009386, MONDO:0015356.
Familial cancer of breast. Also called: Hereditary breast cancer; BREAST CANCER, FAMILIAL; hereditary breast carcinoma. Identifiers: Orphanet 227535, MedGen C0346153, MONDO:0016419, OMIM 114480. Disease mechanism: loss of function.

Allele frequency attached by ClinVar (database versions not stated): gnomAD exomes below 0.00001 and 0.00001; TOPMed below 0.00001; ExAC 0.00001; gnomAD 0.00001.
gnomAD v4.1: 15 of 1,612,976 alleles (0.00093%); highest among the groups gnomAD compares: African/African-American, 0.004%; no homozygotes.

Submissions (4):

Labcorp Genetics (formerly Invitae), Labcorp
Classification: Uncertain significance for Familial cancer of breast. Last evaluated: 2025-02-26. Review status: criteria provided, single submitter. Criteria: Invitae Variant Classification Sherloc (09022015). Collection method: clinical testing. Allele origin: germline.
Comment: This sequence change replaces leucine, which is neutral and non-polar, with serine, which is neutral and polar, at codon 63 of the BARD1 protein (p.Leu63Ser). This variant is present in population databases (rs748828467, gnomAD 0.0009%). This missense change has been observed in individual(s) with BARD1-related conditions (PMID: 27498913, 31871109, 36187937). ClinVar contains an entry for this variant (Variation ID: 216439). An algorithm developed to predict the effect of missense changes on protein structure and function (PolyPhen-2) suggests that this variant is likely to be disruptive. In summary, the available evidence is currently insufficient to determine the role of this variant in disease. Therefore, it has been classified as a Variant of Uncertain Significance.

Ambry Genetics
Classification: Uncertain significance for Hereditary cancer-predisposing syndrome. Last evaluated: 2024-03-05. Review status: criteria provided, single submitter. Criteria: Ambry Variant Classification Scheme 2023. Collection method: clinical testing. Allele origin: germline.
Comment: The p.L63S variant (also known as c.188T>C), located in coding exon 2 of the BARD1 gene, results from a T to C substitution at nucleotide position 188. The leucine at codon 63 is replaced by serine, an amino acid with dissimilar properties. This amino acid position is highly conserved in available vertebrate species. In addition, this alteration is predicted to be deleterious by in silico analysis. Since supporting evidence is limited at this time, the clinical significance of this alteration remains unclear.

Department of Pathology and Laboratory Medicine, Sinai Health System
Classification: Uncertain significance for BARD1-related cancer predisposition. Last evaluated: 2022-03-24. Review status: criteria provided, single submitter. Criteria: ACMG Guidelines, 2015. Collection method: clinical testing. Allele origin: germline. Affected: no.

Color Diagnostics, LLC DBA Color Health
Classification: Uncertain significance for Hereditary cancer-predisposing syndrome. Last evaluated: 2019-09-23. Review status: criteria provided, single submitter. Criteria: ACMG Guidelines, 2015. Collection method: clinical testing. Allele origin: germline.
Comment: This missense variant replaces leucine with serine at codon 63 of the BARD1 protein. Computational prediction tool suggests that this variant may have deleterious impact on protein structure and function (internally defined REVEL score threshold >= 0.7, PMID: 27666373). Splice site prediction tools suggest that this variant may not impact RNA splicing. To our knowledge, functional studies have not been performed for this variant. This variant has not been reported in individuals affected with hereditary cancer in the literature. This variant has been identified in 1/251160 chromosomes in the general population by the Genome Aggregation Database (gnomAD). The available evidence is insufficient to determine the role of this variant in disease conclusively. Therefore, this variant is classified as a Variant of Uncertain Significance.

Literature cited by the submitters: PubMed 27498913 (cited by Labcorp Genetics (formerly Invitae), Labcorp); PubMed 31871109 (cited by Labcorp Genetics (formerly Invitae), Labcorp and Ambry Genetics); PubMed 36187937 (cited by Labcorp Genetics (formerly Invitae), Labcorp).